The following is an entry in ClinVar:

NM_001040108.2(MLH3):c.487G>A (p.Asp163Asn)

Gene: MLH3 (mutL homolog 3; minus strand). Cytogenetic location: 14q24.3.
Variant type: single nucleotide variant.
Coding change: c.487G>A on transcript NM_001040108.2 (MANE Select); coding-DNA position 487, G replaced by A.
Protein change: p.Asp163Asn; replaces aspartic acid 163 with asparagine.
Molecular consequence: missense variant.
Genome position (GRCh38, 1-based): chr14:75,049,169, C>T on the plus strand (G>A on the coding strand, the complement: MLH3 is on the minus strand). VCF-style: chr14-75049169-C-T. GRCh37 (hg19) VCF-style: chr14-75515872-C-T.
Other names: c.487G>A, p.Asp163Asn (NM_014381.3); short protein forms D163N.
Identifiers: ClinVar variation 1743768 (VCV001743768.4), dbSNP rs1191433372, ClinGen allele CA390450053.

ClinVar aggregate classification (germline): Uncertain significance. Review status: criteria provided, multiple submitters, no conflicts (2 of 4 stars). 2 submissions from 2 submitters: Uncertain significance (2). Last evaluated 2025-04-04.

Conditions:
MLH3-related disorder. Also called: MLH3-related condition.

Allele frequency attached by ClinVar (database versions not stated): TOPMed 0.00001; gnomAD 0.00002.
gnomAD v4.1: 3 of 1,614,070 alleles (0.00019%); highest among the groups gnomAD compares: African/African-American, 0.004%; no homozygotes.

Submissions (2):

PreventionGenetics, part of Exact Sciences
Classification: Uncertain significance for MLH3-related condition. Last evaluated: 2025-04-04. Review status: criteria provided, single submitter. Criteria: ACMG Guidelines, 2015. Collection method: clinical testing. Allele origin: germline.
Comment: The MLH3 c.487G>A variant is predicted to result in the amino acid substitution p.Asp163Asn. To our knowledge, this variant has not been reported in the literature. This variant is reported in 0.011% of alleles in individuals of African descent in gnomAD. This variant is interpreted as variant of uncertain significance in ClinVar. At this time, the clinical significance of this variant is uncertain due to the absence of conclusive functional and genetic evidence.

Ambry Genetics
Classification: Uncertain significance. Last evaluated: 2024-09-08. Review status: criteria provided, single submitter. Criteria: Ambry Variant Classification Scheme 2023. Collection method: clinical testing. Allele origin: germline.
Comment: The p.D163N variant (also known as c.487G>A), located in coding exon 1 of the MLH3 gene, results from a G to A substitution at nucleotide position 487. The aspartic acid at codon 163 is replaced by asparagine, an amino acid with highly similar properties. This amino acid position is not well conserved in available vertebrate species. In addition, this alteration is predicted to be tolerated by in silico analysis. Since supporting evidence is limited at this time, the clinical significance of this alteration remains unclear.